The following is an entry in ClinVar:

NM_138694.4(PKHD1):c.5953del (p.Ala1985fs)

Gene: PKHD1 (PKHD1 ciliary IPT domain containing fibrocystin/polyductin; minus strand). Cytogenetic location: 6p12.2.
Variant type: Deletion.
Coding change: c.5953del on transcript NM_138694.4 (MANE Select); coding-DNA position 5953, one base deleted (G; older notation c.5953delG).
Protein change: p.Ala1985fs; shifts the reading frame from alanine 1985.
Molecular consequence: frameshift variant.
Genome position (GRCh38, 1-based): chr6:51,934,278, C deleted on the plus strand (G on the coding strand, the reverse complement: PKHD1 is on the minus strand); the first of 3 consecutive C bases (chr6:51,934,278-51,934,280); deleting any one gives the same sequence. VCF-style (leftmost placement, unchanged base first): chr6-51934277-GC-G. GRCh37 (hg19) VCF-style: chr6-51799075-GC-G.
Other names: c.5953del, p.Ala1985fs (NM_170724.3); short protein forms A1985fs.
Identifiers: ClinVar variation 574622 (VCV000574622.1), dbSNP rs1561921358, ClinGen allele CA891842762.

ClinVar aggregate classification (germline): Pathogenic (1 of 4 stars; one submission).

Conditions:
Autosomal recessive polycystic kidney disease (ARPKD). Also called: AR polycystic kidney disease. Identifiers: Orphanet 731, Orphanet 8378, MedGen C0085548, MeSH D017044, MONDO:0009889.

Submission:

Labcorp Genetics (formerly Invitae), Labcorp
Classification: Pathogenic for Autosomal recessive polycystic kidney disease. Last evaluated: 2018-01-18. Review status: criteria provided, single submitter. Criteria: Invitae Variant Classification Sherloc (09022015). Collection method: clinical testing. Allele origin: germline.
Comment: This sequence change creates a premature translational stop signal (p.Ala1985Hisfs*48) in the PKHD1 gene. It is expected to result in an absent or disrupted protein product. This variant is not present in population databases (ExAC no frequency). This variant has not been reported in the literature in individuals with PKHD1-related disease. Loss-of-function variants in PKHD1 are known to be pathogenic (PMID: 19940839). For these reasons, this variant has been classified as Pathogenic.